The following is an entry in ClinVar:

ClinVar aggregate classification (germline): Uncertain significance (1 of 4 stars; one submission).

Allele frequency attached by ClinVar (database versions not stated): ExAC 0.00001.

Submission:

Women's Health and Genetics/Laboratory Corporation of America, LabCorp
Classification: Uncertain significance. Last evaluated: 2023-07-24. Review status: criteria provided, single submitter. Criteria: LabCorp Variant Classification Summary - May 2015. Collection method: clinical testing. Allele origin: germline.
Comment: Variant summary: ACAT1 c.401T>C (p.Met134Thr) results in a non-conservative amino acid change located in the Thiolase, N-terminal domain (IPR020616) of the encoded protein sequence. Four of five in-silico tools predict a damaging effect of the variant on protein function. The variant allele was found at a frequency of 4e-06 in 251366 control chromosomes (gnomAD). The available data on variant occurrences in the general population are insufficient to allow any conclusion about variant significance. c.401T>C has been reported in the literature in at least one individuals affected with Alpha-Methylacetoacetic Aciduria (Lin_2021). These data do not allow any conclusion about variant significance. To our knowledge, no experimental evidence demonstrating an impact on protein function has been reported. The following publication has been ascertained in the context of this evaluation (PMID: 34001203). No submitters have cited clinical-significance assessments for this variant to ClinVar after 2014. Based on the evidence outlined above, the variant was classified as uncertain significance.

Literature cited by the submitters: PubMed 34001203.

NM_000019.4(ACAT1):c.401T>C (p.Met134Thr)

Gene: ACAT1 (acetyl-CoA acetyltransferase 1; plus strand). Cytogenetic location: 11q22.3.
Variant type: single nucleotide variant.
Coding change: c.401T>C on transcript NM_000019.4 (MANE Select); coding-DNA position 401, T replaced by C.
Protein change: p.Met134Thr; replaces methionine 134 with threonine.
Molecular consequence: missense variant. On other transcripts: non-coding transcript variant (1), intron variant (1).
Genome position (GRCh38, 1-based): chr11:108,135,208, T>C. VCF-style: chr11-108135208-T-C. GRCh37 (hg19) VCF-style: chr11-108005935-T-C.
Other names: c.401T>C, p.Met134Thr (NM_001386677.1); c.104T>C, p.Met35Thr (NM_001386679.1); c.131T>C, p.Met44Thr (NM_001386681.1, NM_001386682.1, NM_001386685.1 and 6 more transcripts); c.120+3254T>C (NM_001386678.1); short protein forms M134T, M35T, M44T.
Identifiers: ClinVar variation 2577357 (VCV002577357.1), dbSNP rs779097442, ClinGen allele CA6263107.